The following is an entry in ClinVar:

NM_001036.6(RYR3):c.7839A>G (p.Lys2613=)

Gene: RYR3 (ryanodine receptor 3; plus strand). Cytogenetic location: 15q14.
Variant type: single nucleotide variant.
Coding change: c.7839A>G on transcript NM_001036.6 (MANE Select); coding-DNA position 7839, A replaced by G.
Protein change: p.Lys2613=; no amino-acid change (lysine 2613 retained).
Molecular consequence: synonymous variant.
Genome position (GRCh38, 1-based): chr15:33,742,384, A>G. VCF-style: chr15-33742384-A-G. GRCh37 (hg19) VCF-style: chr15-34034585-A-G.
Other names: c.7839A>G, p.Lys2613= (NM_001243996.4); c.7839A>G (NM_001036.4).
Identifiers: ClinVar variation 2705828 (VCV002705828.4), dbSNP rs1156880664, ClinGen allele CA489398499.

ClinVar aggregate classification (germline): Likely benign. Review status: criteria provided, single submitter (1 of 4 stars). 2 submissions from 2 submitters: Likely benign (1). 1 of the submissions does not count toward it. Last evaluated 2023-10-11.

Conditions:
Epileptic encephalopathy. Identifiers: MedGen C0543888, HP:0200134.
RYR3-related disorder. Also called: RYR3-related condition.

gnomAD v4.1: 2 of 1,612,952 alleles (0.00012%); highest among the groups gnomAD compares: Admixed American, 0.0033%; no homozygotes.

Submissions (2):

Labcorp Genetics (formerly Invitae), Labcorp
Classification: Likely benign for Epileptic encephalopathy. Last evaluated: 2023-10-11. Review status: criteria provided, single submitter. Criteria: Invitae Variant Classification Sherloc (09022015). Collection method: clinical testing. Allele origin: germline.

PreventionGenetics, part of Exact Sciences
Classification: Likely benign for RYR3-related condition. Last evaluated: 2023-03-28. Review status: no assertion criteria provided. Collection method: clinical testing. Allele origin: germline. Not counted in ClinVar's aggregate classification.
Comment: This variant is classified as likely benign based on ACMG/AMP sequence variant interpretation guidelines (Richards et al. 2015 PMID: 25741868, with internal and published modifications).